The following is an entry in ClinVar:

ClinVar aggregate classification (germline): Pathogenic (1 of 4 stars; one submission).

Conditions:
Duchenne muscular dystrophy (DMD). Also called: Duchenne Muscular Dystrophy (DMD); MUSCULAR DYSTROPHY, PSEUDOHYPERTROPHIC PROGRESSIVE, DUCHENNE TYPE. Identifiers: Orphanet 98896, MedGen C0013264, MONDO:0010679, OMIM 310200.

Submission:

Labcorp Genetics (formerly Invitae), Labcorp
Classification: Pathogenic for Duchenne muscular dystrophy. Last evaluated: 2022-01-10. Review status: criteria provided, single submitter. Criteria: Invitae Variant Classification Sherloc (09022015). Collection method: clinical testing. Allele origin: germline.
Comment: A similar copy number variant has been observed in individuals with Duchenne muscular dystrophy (PMID: 17259292, 19309270). For these reasons, this variant has been classified as Pathogenic. This variant results in a copy number gain of the genomic region encompassing exon(s) 8 of the DMD gene. While the exact position of this variant cannot be determined from the data, sub-genic copy number gains are generally in tandem (PMID: 25640679). This variant is predicted to be out-of-frame, and may result in an absent or disrupted protein product. Loss-of-function variants in DMD are known to be pathogenic (PMID: 16770791, 25007885).

Literature cited by the submitters: PubMed 17259292; PubMed 19309270; PubMed 25640679; PubMed 16770791; PubMed 25007885.

NC_000023.10:g.(?_32717219)_(32717420_?)dup

Gene: DMD (dystrophin; minus strand). Cytogenetic location: Xp21.1.
Variant type: Duplication.
Identifiers: ClinVar variation 1460118 (VCV001460118.6).